The following is an entry in ClinVar:

ClinVar aggregate classification (germline): Uncertain significance (1 of 4 stars; one submission).

Allele frequency attached by ClinVar (database versions not stated): gnomAD 0.00002; TOPMed 0.00003.
gnomAD v4.1: 5 of 1,613,530 alleles (0.00031%); highest among the groups gnomAD compares: African/African-American, 0.004%; no homozygotes.

Submission:

Labcorp Genetics (formerly Invitae), Labcorp
Classification: Uncertain significance. Last evaluated: 2023-01-19. Review status: criteria provided, single submitter. Criteria: Invitae Variant Classification Sherloc (09022015). Collection method: clinical testing. Allele origin: germline.
Comment: In summary, the available evidence is currently insufficient to determine the role of this variant in disease. Therefore, it has been classified as a Variant of Uncertain Significance. Advanced modeling of protein sequence and biophysical properties (such as structural, functional, and spatial information, amino acid conservation, physicochemical variation, residue mobility, and thermodynamic stability) performed at Invitae indicates that this missense variant is not expected to disrupt EEF2 protein function. This variant has not been reported in the literature in individuals affected with EEF2-related conditions. This variant is present in population databases (no rsID available, gnomAD 0.007%). This sequence change replaces glutamic acid, which is acidic and polar, with aspartic acid, which is acidic and polar, at codon 170 of the EEF2 protein (p.Glu170Asp).

NM_001961.4(EEF2):c.510G>C (p.Glu170Asp)

Gene: EEF2 (eukaryotic translation elongation factor 2; minus strand). Cytogenetic location: 19p13.3.
Variant type: single nucleotide variant.
Coding change: c.510G>C on transcript NM_001961.4 (MANE Select); coding-DNA position 510, G replaced by C.
Protein change: p.Glu170Asp; replaces glutamic acid 170 with aspartic acid.
Molecular consequence: missense variant.
Genome position (GRCh38, 1-based): chr19:3,982,909, C>G on the plus strand (G>C on the coding strand, the complement: EEF2 is on the minus strand). VCF-style: chr19-3982909-C-G. GRCh37 (hg19) VCF-style: chr19-3982907-C-G.
Other names: short protein forms E170D.
Identifiers: ClinVar variation 2908130 (VCV002908130.3), dbSNP rs1242828255, ClinGen allele CA403394748.